The following is an entry in ClinVar:

ClinVar aggregate classification (germline): Benign/Likely benign. Review status: criteria provided, multiple submitters, no conflicts (2 of 4 stars). 7 submissions from 7 submitters: Benign (1); Likely benign (4). 2 of the submissions do not count toward it. Last evaluated 2026-03-24.

Conditions:
Brugada syndrome. Also called: Sudden unexpected nocturnal death syndrome; Sudden Unexplained Death Syndrome; Sudden Unexplained Nocturnal Death Syndrome (SUNDS); Sudden unexplained nocturnal death syndrome. Identifiers: Orphanet 130, MedGen C1142166, MONDO:0015263.
SCN10A-related disorder. Also called: SCN10A-related condition.
Cardiovascular phenotype. Identifiers: MedGen CN230736.

Allele frequency attached by ClinVar (database versions not stated): gnomAD exomes 0.00011; ExAC 0.00014; ESP Exome Variant Server 0.00015; gnomAD 0.00019 and 0.00021; TOPMed 0.00021.
gnomAD v4.1: 232 of 1,614,014 alleles (0.014%); highest among the groups gnomAD compares: Non-Finnish European, 0.017%; no homozygotes.

Submissions (7):

PreventionGenetics, part of Exact Sciences
Classification: Likely benign for SCN10A-related condition. Last evaluated: 2026-03-24. Review status: criteria provided, single submitter. Criteria: ACMG Guidelines, 2015. Collection method: clinical testing. Allele origin: germline.
Comment: This variant is classified as likely benign based on ACMG/AMP sequence variant interpretation guidelines (Richards et al. 2015 PMID: 25741868, with internal and published modifications).

Labcorp Genetics (formerly Invitae), Labcorp
Classification: Likely benign for Brugada syndrome. Last evaluated: 2026-01-21. Review status: criteria provided, single submitter. Criteria: Invitae Variant Classification Sherloc (09022015). Collection method: clinical testing. Allele origin: germline.

Women's Health and Genetics/Laboratory Corporation of America, LabCorp
Classification: Benign. Last evaluated: 2026-01-02. Review status: criteria provided, single submitter. Criteria: LabCorp Variant Classification Summary - May 2015. Collection method: clinical testing. Allele origin: germline.

Blueprint Genetics
Classification: Likely benign. Last evaluated: 2024-10-17. Review status: criteria provided, single submitter. Criteria: ACMG Guidelines, 2015. Collection method: clinical testing. Allele origin: germline.

Ambry Genetics
Classification: Likely benign for Cardiovascular phenotype. Last evaluated: 2020-05-29. Review status: criteria provided, single submitter. Criteria: Ambry Variant Classification Scheme 2023. Collection method: clinical testing. Allele origin: germline.

Clinical Genetics, Academic Medical Center
Classification: Benign. Review status: no assertion criteria provided. Collection method: clinical testing. Allele origin: germline. Affected: yes. Study: VKGL Data-share Consensus. Not counted in ClinVar's aggregate classification.

Joint Genome Diagnostic Labs from Nijmegen and Maastricht, Radboudumc and MUMC+
Classification: Likely benign. Review status: no assertion criteria provided. Collection method: clinical testing. Allele origin: germline. Affected: yes. Study: VKGL Data-share Consensus. Not counted in ClinVar's aggregate classification.

NM_006514.4(SCN10A):c.3753C>A (p.Thr1251=)

Gene: SCN10A (sodium voltage-gated channel alpha subunit 10; minus strand). Cytogenetic location: 3p22.2.
Variant type: single nucleotide variant.
Coding change: c.3753C>A on transcript NM_006514.4 (MANE Select); coding-DNA position 3753, C replaced by A.
Protein change: p.Thr1251=; no amino-acid change (threonine 1251 retained).
Molecular consequence: synonymous variant.
Genome position (GRCh38, 1-based): chr3:38,714,009, G>T on the plus strand (C>A on the coding strand, the complement: SCN10A is on the minus strand). VCF-style: chr3-38714009-G-T. GRCh37 (hg19) VCF-style: chr3-38755500-G-T.
Other names: c.3750C>A, p.Thr1250= (NM_001293306.2); c.3459C>A, p.Thr1153= (NM_001293307.2).
Identifiers: ClinVar variation 697220 (VCV000697220.18), dbSNP rs144350950, ClinGen allele CA2320133.